The following is an entry in ClinVar:

NM_021098.3(CACNA1H):c.4430A>G (p.His1477Arg)

Gene: CACNA1H (calcium voltage-gated channel subunit alpha1 H; plus strand). Cytogenetic location: 16p13.3.
Variant type: single nucleotide variant.
Coding change: c.4430A>G on transcript NM_021098.3 (MANE Select); coding-DNA position 4430, A replaced by G.
Protein change: p.His1477Arg; replaces histidine 1477 with arginine.
Molecular consequence: missense variant.
Genome position (GRCh38, 1-based): chr16:1,211,560, A>G. VCF-style: chr16-1211560-A-G. GRCh37 (hg19) VCF-style: chr16-1261560-A-G.
Other names: c.4430A>G, p.His1477Arg (NM_001005407.2); short protein forms H1477R.
Identifiers: ClinVar variation 568151 (VCV000568151.10), dbSNP rs1567542033, ClinGen allele CA394179156.

ClinVar aggregate classification (germline): Uncertain significance (1 of 4 stars; one submission).

Conditions:
Idiopathic generalized epilepsy. Also called: EIG; Generalised epilepsy. Identifiers: MedGen C0270850, MONDO:0005579, OMIM 600669.
Hyperaldosteronism, familial, type IV (HALD4). Also called: FH IV; ALDOSTERONISM, PRIMARY, AND HYPERTENSION. Identifiers: Orphanet 642671, MedGen C4310756, MONDO:0014875, OMIM 617027.

Allele frequency attached by ClinVar (database versions not stated): gnomAD exomes below 0.00001; TOPMed 0.00001.
gnomAD v4.1: 5 of 1,611,908 alleles (0.00031%); highest among the groups gnomAD compares: South Asian, 0.0011%; no homozygotes.

Submission:

Labcorp Genetics (formerly Invitae), Labcorp
Classification: Uncertain significance for Idiopathic generalized epilepsy; Hyperaldosteronism, familial, type IV. Last evaluated: 2023-02-09. Review status: criteria provided, single submitter. Criteria: Invitae Variant Classification Sherloc (09022015). Collection method: clinical testing. Allele origin: germline.
Comment: This sequence change replaces histidine, which is basic and polar, with arginine, which is basic and polar, at codon 1477 of the CACNA1H protein (p.His1477Arg). This variant is not present in population databases (gnomAD no frequency). This variant has not been reported in the literature in individuals affected with CACNA1H-related conditions. ClinVar contains an entry for this variant (Variation ID: 568151). Advanced modeling of protein sequence and biophysical properties (such as structural, functional, and spatial information, amino acid conservation, physicochemical variation, residue mobility, and thermodynamic stability) performed at Invitae indicates that this missense variant is not expected to disrupt CACNA1H protein function. In summary, the available evidence is currently insufficient to determine the role of this variant in disease. Therefore, it has been classified as a Variant of Uncertain Significance.